The following is an entry in ClinVar:

ClinVar aggregate classification (germline): Uncertain significance. Review status: criteria provided, single submitter (1 of 4 stars). 2 submissions from 2 submitters: Uncertain significance (1). 1 of the submissions does not count toward it. Last evaluated 2021-07-13.

Conditions:
Usher syndrome type 1F (USH1F). Also called: USHER SYNDROME, TYPE IF. Identifiers: Orphanet 231169, Orphanet 886, MedGen C1865885, MONDO:0011186, OMIM 602083.

Submissions (2):

Labcorp Genetics (formerly Invitae), Labcorp
Classification: Uncertain significance. Last evaluated: 2021-07-13. Review status: criteria provided, single submitter. Criteria: Invitae Variant Classification Sherloc (09022015). Collection method: clinical testing. Allele origin: germline.
Comment: This sequence change creates a premature translational stop signal (p.Arg1591Lysfs*2) in the PCDH15 gene. While this is not anticipated to result in nonsense mediated decay, it is expected to disrupt the last 365 amino acid(s) of the PCDH15 protein. This variant is not present in population databases (ExAC no frequency). This variant has not been reported in the literature in individuals affected with PCDH15-related conditions. ClinVar contains an entry for this variant (Variation ID: 557731). In summary, the available evidence is currently insufficient to determine the role of this variant in disease. Therefore, it has been classified as a Variant of Uncertain Significance.

Counsyl
Classification: Uncertain significance for Usher syndrome type 1F. Last evaluated: 2018-04-12. Review status: no assertion criteria provided. Collection method: clinical testing. Allele origin: unknown. Not counted in ClinVar's aggregate classification.

NM_033056.4(PCDH15):c.4768_4771dup (p.Arg1591delinsLysTer)

Gene: PCDH15 (protocadherin related 15; minus strand). Cytogenetic location: 10q21.1.
Variant type: Duplication.
Coding change: c.4768_4771dup on transcript NM_033056.4 (MANE Plus Clinical); coding-DNA positions 4768 to 4771, 4 bases duplicated (AATA; older notation c.4768_4771dupAATA).
Protein change: p.Arg1591delinsLysTer.
Molecular consequence: nonsense. On other transcripts: intron variant (8).
Genome position (GRCh38, 1-based): chr10:53,822,955-53,822,958, TATT duplicated on the plus strand (AATA on the coding strand, the reverse complement: PCDH15 is on the minus strand); duplicating any 4 consecutive bases within chr10:53,822,955-53,822,959 gives the same sequence; the c. name uses the placement nearest the transcript's 3' end. VCF-style (leftmost placement, unchanged base first): chr10-53822954-C-CTATT. GRCh37 (hg19) VCF-style: chr10-55582714-C-CTATT.
Other names: c.4768_4771dupAATA (NM_033056.3); c.4789_4792dup, p.Arg1598delinsLysTer (NM_001142763.2); c.4774_4777dup, p.Arg1593delinsLysTer (NM_001142764.2); c.4561_4564dup, p.Arg1522delinsLysTer (NM_001142765.2); c.4759_4762dup, p.Arg1588delinsLysTer (NM_001142766.2); c.4648_4651dup, p.Arg1551delinsLysTer (NM_001142767.2); c.4708_4711dup, p.Arg1571delinsLysTer (NM_001142768.2); c.4699_4702dup, p.Arg1568delinsLysTer (NM_001142773.2); and 7 more.
Identifiers: ClinVar variation 557731 (VCV000557731.7), dbSNP rs1554820690, ClinGen allele CA593783036.
Genomic context (GRCh38, chr10:53,822,954, plus strand): 5'-TTTTCATTTTCAGCTTTCTGCCTGGTGCCTTGCCACTGCTGCAGATCTATGATCTCTGGT[C>CTATT]TATTTGGAACTTTCCTCATCAGCCTCCTGGGTAAGCTGACTGACTGACTCCACAGCCTCT-3'